The following is an entry in ClinVar:

ClinVar aggregate classification (germline): Benign (1 of 4 stars; one submission).

Conditions:
Familial cancer of breast. Also called: Hereditary breast cancer; hereditary breast carcinoma; BREAST CANCER, FAMILIAL. Identifiers: Orphanet 227535, MedGen C0346153, MONDO:0016419, OMIM 114480. Disease mechanism: loss of function.

Submission:

Myriad Genetics, Inc.
Classification: Benign for Familial cancer of breast. Last evaluated: 2025-01-16. Review status: criteria provided, single submitter. Criteria: Myriad Autosomal Dominant, Autosomal Recessive and X-Linked Classification Criteria (2023). Collection method: clinical testing. Allele origin: unknown.
Comment: This variant is considered benign. This variant is a silent/synonymous amino acid change and it is not expected to impact splicing.

NM_024675.4(PALB2):c.2493G>T (p.Leu831=)

Gene: PALB2 (partner and localizer of BRCA2; minus strand). Cytogenetic location: 16p12.2.
Variant type: single nucleotide variant.
Coding change: c.2493G>T on transcript NM_024675.4 (MANE Select); coding-DNA position 2493, G replaced by T.
Protein change: p.Leu831=; no amino-acid change (leucine 831 retained).
Molecular consequence: synonymous variant. On other transcripts: intron variant (1).
Genome position (GRCh38, 1-based): chr16:23,629,661, C>A on the plus strand (G>T on the coding strand, the complement: PALB2 is on the minus strand). VCF-style: chr16-23629661-C-A. GRCh37 (hg19) VCF-style: chr16-23640982-C-A.
Other names: c.2433G>T, p.Leu811= (NM_001407296.1); c.2493G>T, p.Leu831= (NM_001407297.1, NM_001407298.1, NM_001407299.1 and 3 more transcripts); c.1608G>T, p.Leu536= (NM_001407304.1, NM_001407305.1, NM_001407306.1 and 5 more transcripts); c.705G>T, p.Leu235= (NM_001407312.1, NM_001407313.1); c.49-386G>T (NM_001407314.1).
Identifiers: ClinVar variation 3903876 (VCV003903876.1).